The following is an entry in ClinVar:

NM_033159.4(HYAL1):c.410G>A (p.Trp137Ter)

Gene: HYAL1 (hyaluronidase 1; minus strand). Cytogenetic location: 3p21.31.
Variant type: single nucleotide variant.
Coding change: c.410G>A on transcript NM_033159.4 (MANE Select); coding-DNA position 410, G replaced by A.
Protein change: p.Trp137Ter; replaces tryptophan 137 with a stop codon.
Molecular consequence: nonsense. On other transcripts: 5 prime UTR variant (1), non-coding transcript variant (1), intron variant (1).
Genome position (GRCh38, 1-based): chr3:50,302,547, C>T on the plus strand (G>A on the coding strand, the complement: HYAL1 is on the minus strand). VCF-style: chr3-50302547-C-T. GRCh37 (hg19) VCF-style: chr3-50339978-C-T.
Other names: c.410G>A, p.Trp137Ter (NM_007312.3, NM_153281.2, NM_153282.3); c.-137G>A (NM_153283.3); c.-26-342G>A (NM_153285.3); short protein forms W137*.
Identifiers: ClinVar variation 2018303 (VCV002018303.4), dbSNP rs2470851637, ClinGen allele CA352894429.

ClinVar aggregate classification (germline): Pathogenic (1 of 4 stars; one submission).

Conditions:
Deficiency of hyaluronoglucosaminidase (MPS9). Also called: HYALURONIDASE DEFICIENCY; MPS IX; Mucopolysaccharidosis type 9. Identifiers: Orphanet 67041, MedGen C1291490, MONDO:0011093, OMIM 601492.

Submission:

Labcorp Genetics (formerly Invitae), Labcorp
Classification: Pathogenic for Deficiency of hyaluronoglucosaminidase. Last evaluated: 2022-07-20. Review status: criteria provided, single submitter. Criteria: Invitae Variant Classification Sherloc (09022015). Collection method: clinical testing. Allele origin: germline.
Comment: This variant has not been reported in the literature in individuals affected with HYAL1-related conditions. This variant is not present in population databases (gnomAD no frequency). This sequence change creates a premature translational stop signal (p.Trp137*) in the HYAL1 gene. It is expected to result in an absent or disrupted protein product. Loss-of-function variants in HYAL1 are known to be pathogenic (PMID: 10339581, 21559944). For these reasons, this variant has been classified as Pathogenic.

Literature cited by the submitters: PubMed 10339581; PubMed 21559944.